The following is an entry in ClinVar:

ClinVar aggregate classification (germline): Pathogenic (1 of 4 stars; one submission).

Conditions:
Congenital disorder of glycosylation, type Iaa. Also called: Congenital disorder of glycosylation, type 1aa. Identifiers: MedGen C4310727, MONDO:0014904, OMIM 617082.

Submission:

Labcorp Genetics (formerly Invitae), Labcorp
Classification: Pathogenic for Congenital disorder of glycosylation, type Iaa. Last evaluated: 2024-11-18. Review status: criteria provided, single submitter. Criteria: Invitae Variant Classification Sherloc (09022015). Collection method: clinical testing. Allele origin: germline.
Comment: This sequence change creates a premature translational stop signal (p.Glu6*) in the NUS1 gene. It is expected to result in an absent or disrupted protein product. Loss-of-function variants in NUS1 are known to be pathogenic (PMID: 29100083). This variant is not present in population databases (gnomAD no frequency). This variant has not been reported in the literature in individuals affected with NUS1-related conditions. For these reasons, this variant has been classified as Pathogenic.

Literature cited by the submitters: PubMed 29100083.

NM_138459.5(NUS1):c.16G>T (p.Glu6Ter)

Gene: NUS1 (NUS1 dehydrodolichyl diphosphate synthase subunit; plus strand). Cytogenetic location: 6q22.1.
Variant type: single nucleotide variant.
Coding change: c.16G>T on transcript NM_138459.5 (MANE Select); coding-DNA position 16, G replaced by T.
Protein change: p.Glu6Ter; replaces glutamic acid 6 with a stop codon.
Molecular consequence: nonsense.
Genome position (GRCh38, 1-based): chr6:117,675,686, G>T. VCF-style: chr6-117675686-G-T. GRCh37 (hg19) VCF-style: chr6-117996849-G-T.
Other names: short protein forms E6*.
Identifiers: ClinVar variation 3725504 (VCV003725504.2).
Genomic context (GRCh38, chr6:117,675,686, plus strand): 5'-GGGAGTGGGCGGGAGGGAGAGGGGGTGTCTGAGGGCCACAAGAGTATGACGGGGCTGTAC[G>T]AGCTGGTGTGGCGGGTGCTGCACGCGCTGCTCTGTCTGCACCGCACGCTCACCTCCTGGC-3'